The following is an entry in ClinVar:

NM_001291867.2(NHS):c.2936A>G (p.Lys979Arg)

Gene: NHS (NHS actin remodeling regulator; plus strand). Cytogenetic location: Xp22.13.
Variant type: single nucleotide variant.
Coding change: c.2936A>G on transcript NM_001291867.2 (MANE Select); coding-DNA position 2936, A replaced by G.
Protein change: p.Lys979Arg; replaces lysine 979 with arginine.
Molecular consequence: missense variant.
Genome position (GRCh38, 1-based): chrX:17,727,042, A>G. VCF-style: chrX-17727042-A-G. GRCh37 (hg19) VCF-style: chrX-17745162-A-G.
Other names: c.2405A>G, p.Lys802Arg (NM_001136024.4); c.2342A>G, p.Lys781Arg (NM_001291868.2); c.2873A>G, p.Lys958Arg (NM_198270.4); short protein forms K781R, K979R, K802R, K958R.
Identifiers: ClinVar variation 3709359 (VCV003709359.2).

ClinVar aggregate classification (germline): Uncertain significance (1 of 4 stars; one submission).

Conditions:
Nance-Horan syndrome (NHS). Identifiers: Orphanet 627, MedGen C0796085, MONDO:0010545, OMIM 302350.

Submission:

Labcorp Genetics (formerly Invitae), Labcorp
Classification: Uncertain significance for Nance-Horan syndrome. Last evaluated: 2024-05-24. Review status: criteria provided, single submitter. Criteria: Invitae Variant Classification Sherloc (09022015). Collection method: clinical testing. Allele origin: germline.
Comment: This sequence change replaces lysine, which is basic and polar, with arginine, which is basic and polar, at codon 958 of the NHS protein (p.Lys958Arg). This variant is not present in population databases (gnomAD no frequency). This variant has not been reported in the literature in individuals affected with NHS-related conditions. An algorithm developed to predict the effect of missense changes on protein structure and function (PolyPhen-2) suggests that this variant is likely to be disruptive. In summary, the available evidence is currently insufficient to determine the role of this variant in disease. Therefore, it has been classified as a Variant of Uncertain Significance.